The following is an entry in ClinVar:

ClinVar aggregate classification (germline): Conflicting classifications of pathogenicity. Review status: criteria provided, conflicting classifications (1 of 4 stars). 4 submissions from 3 submitters: Uncertain significance (3); Benign (1). Last evaluated 2026-01-17.

Conditions:
Aortic valve disease 1 (AOVD1). Identifiers: MedGen C3887892, MONDO:0024523, OMIM 109730.
Adams-Oliver syndrome 5 (AOS5). Identifiers: Orphanet 974, MedGen C4014970, MONDO:0014459, OMIM 616028.

Allele frequency attached by ClinVar (database versions not stated): TOPMed 0.00002; ExAC 0.00003; ESP Exome Variant Server 0.00008.
gnomAD v4.1: 47 of 1,610,112 alleles (0.0029%); highest among the groups gnomAD compares: South Asian, 0.029%; no homozygotes.

Submissions (4):

Labcorp Genetics (formerly Invitae), Labcorp
Classification: Benign for Adams-Oliver syndrome 5. Last evaluated: 2026-01-17. Review status: criteria provided, single submitter. Criteria: Invitae Variant Classification Sherloc (09022015). Collection method: clinical testing. Allele origin: germline.

GeneDx
Classification: Uncertain significance. Last evaluated: 2023-05-18. Review status: criteria provided, single submitter. Criteria: GeneDx Variant Classification Process June 2021. Collection method: clinical testing. Allele origin: germline. Affected: yes.
Comment: Has not been previously published as pathogenic or benign to our knowledge; In silico analysis supports that this missense variant does not alter protein structure/function; This variant is associated with the following publications: (PMID: 36479692)

Genome-Nilou Lab
Classification: Uncertain significance for Adams-Oliver syndrome 5. Last evaluated: 2022-03-15. Review status: criteria provided, single submitter. Criteria: ACMG Guidelines, 2015. Collection method: clinical testing. Allele origin: germline. Affected: no.

Genome-Nilou Lab
Classification: Uncertain significance for Aortic valve disease 1. Last evaluated: 2022-03-15. Review status: criteria provided, single submitter. Criteria: ACMG Guidelines, 2015. Collection method: clinical testing. Allele origin: germline. Affected: no.

NM_017617.5(NOTCH1):c.6739C>G (p.Leu2247Val)

Gene: NOTCH1 (notch receptor 1; minus strand). Cytogenetic location: 9q34.3.
Variant type: single nucleotide variant.
Coding change: c.6739C>G on transcript NM_017617.5 (MANE Select); coding-DNA position 6739, C replaced by G.
Protein change: p.Leu2247Val; replaces leucine 2247 with valine.
Molecular consequence: missense variant.
Genome position (GRCh38, 1-based): chr9:136,497,000, G>C on the plus strand (C>G on the coding strand, the complement: NOTCH1 is on the minus strand). VCF-style: chr9-136497000-G-C. GRCh37 (hg19) VCF-style: chr9-139391452-G-C.
Other names: short protein forms L2247V.
Identifiers: ClinVar variation 1000697 (VCV001000697.12), dbSNP rs377165086, ClinGen allele CA5339833.